The following is an entry in ClinVar:

ClinVar aggregate classification (germline): Pathogenic/Likely pathogenic. Review status: criteria provided, multiple submitters, no conflicts (2 of 4 stars). 2 submissions from 2 submitters: Pathogenic (1); Likely pathogenic (1). Last evaluated 2022-10-07.

Conditions:
Wilson disease (WND). Also called: Wilson's disease. Identifiers: Orphanet 905, MedGen C0019202, MONDO:0010200, OMIM 277900. Disease mechanism: loss of function.

Submissions (2):

Labcorp Genetics (formerly Invitae), Labcorp
Classification: Likely pathogenic for Wilson disease. Last evaluated: 2022-10-07. Review status: criteria provided, single submitter. Criteria: Invitae Variant Classification Sherloc (09022015). Collection method: clinical testing. Allele origin: germline.
Comment: This variant is not present in population databases (gnomAD no frequency). This sequence change affects an acceptor splice site in intron 16 of the ATP7B gene. It is expected to disrupt RNA splicing. Variants that disrupt the donor or acceptor splice site typically lead to a loss of protein function (PMID: 16199547), and loss-of-function variants in ATP7B are known to be pathogenic (PMID: 10441329, 16283883). This variant has not been reported in the literature in individuals affected with ATP7B-related conditions. In summary, the currently available evidence indicates that the variant is pathogenic, but additional data are needed to prove that conclusively. Therefore, this variant has been classified as Likely Pathogenic. Algorithms developed to predict the effect of sequence changes on RNA splicing suggest that this variant may disrupt the consensus splice site. ClinVar contains an entry for this variant (Variation ID: 1338418).

Genetic Services Laboratory, University of Chicago
Classification: Pathogenic. Last evaluated: 2018-06-18. Review status: criteria provided, single submitter. Criteria: ACMG Guidelines, 2015. Collection method: clinical testing. Allele origin: germline. Affected: yes.
Comment: DNA sequence analysis of the ATP7B gene demonstrated a pathogenic sequence change is at the canonical splice acceptor site of intron 16, c.3557-1G>C. This variant is absent in large population database (EXAC, 1000G, ESP) and it is predicted to affect RNA splicing. Splicing variants in ATP7B have been previously described in patients with Wilson disease (Loudianos et al. 2002). This pathogenic sequence change is predicted to affect normal splicing of the ATP7B gene and result in an abnormal protein. " DNA sequence analysis of the ATP7B gene demonstrated a pathogenic sequence change is at the canonical splice acceptor site of intron 16, c.3557-1G>C. This variant is absent in large population database (EXAC, 1000G, ESP) and it is predicted to affect RNA splicing. Splicing variants in ATP7B have been previously described in patients with Wilson disease (Loudianos et al. 2002). This pathogenic sequence change is predicted to affect normal splicing of the ATP7B gene and result in an abnormal protein.

Literature cited by the submitters: PubMed 16199547 (cited by Labcorp Genetics (formerly Invitae), Labcorp); PubMed 10441329 (cited by Labcorp Genetics (formerly Invitae), Labcorp); PubMed 16283883 (cited by Labcorp Genetics (formerly Invitae), Labcorp).

NM_000053.4(ATP7B):c.3557-1G>C

Gene: ATP7B (ATPase copper transporting beta; minus strand). Cytogenetic location: 13q14.3.
Variant type: single nucleotide variant.
Coding change: c.3557-1G>C on transcript NM_000053.4 (MANE Select); the canonical splice acceptor site of the intron before coding-DNA position 3557, G replaced by C.
Molecular consequence: splice acceptor variant.
Genome position (GRCh38, 1-based): chr13:51,939,194, C>G on the plus strand (G>C on the coding strand, the complement: ATP7B is on the minus strand). VCF-style: chr13-51939194-C-G. GRCh37 (hg19) VCF-style: chr13-52513330-C-G.
Other names: c.3071-1G>C (NM_001406541.1, NM_001406542.1); c.3305-1G>C (NM_001406531.1, NM_001406532.1, NM_001330579.2); c.3323-1G>C (NM_001406527.1, NM_001406528.1, NM_001330578.2); c.3218-1G>C (NM_001406537.1); c.3413-1G>C (NM_001406521.1, NM_001406522.1, NM_001406520.1); c.3551-1G>C (NM_001406513.1); c.3557-1G>C (NM_001406511.1, NM_001406512.1, NM_001406526.1); c.3065-1G>C (NM_001406543.1); and 20 more.
Identifiers: ClinVar variation 1338418 (VCV001338418.8), dbSNP rs2138674428, ClinGen allele CA388024861.
Genomic context (GRCh38, chr13:51,939,194, plus strand): 5'-CAGCCAGGGCAGCCTCCTGCTTGACAGCGTCTGCGATTGCGATCATCCCACAGAGCACAC[C>G]TGGAGCGAACCAGCCAGCATCAGCAGCTACACAAGTTGGGGCACCCCGCACCAAGATACC-3'